The following is an entry in ClinVar:

ClinVar aggregate classification (germline): Pathogenic (1 of 4 stars; one submission).

Submission:

Labcorp Genetics (formerly Invitae), Labcorp
Classification: Pathogenic. Last evaluated: 2025-09-28. Review status: criteria provided, single submitter. Criteria: Invitae Variant Classification Sherloc (09022015). Collection method: clinical testing. Allele origin: germline.
Comment: This sequence change inserts a large fragment of DNA, likely a transposable element, in exon 17 of the C7 gene (c.2166-1_2166ins?), causing a frameshift at codon 723 (p.Pro723fs). The exact size and sequence of the insertion cannot be determined by the current assay. However, the insertion is expected to result in an absent or disrupted protein product. This variant is not present in population databases (gnomAD no frequency). This variant has not been reported in the literature in individuals affected with C7-related conditions. Retrotransposon insertions including LINE1 (L1), Alu, and SVA (SINE-VNTR-Alu) have been reported to be disease-causing through disruption of either a coding region or splice site (PMID: 19763152, 20307669, 22406018) and loss-of-function variants in C7 are known to be pathogenic (PMID: 9856499, 17407100). For these reasons, this variant has been classified as Pathogenic.

Literature cited by the submitters: PubMed 19763152; PubMed 20307669; PubMed 22406018; PubMed 9856499; PubMed 17407100.

NM_000587.4(C7):c.2166-1_2166insGCTGGGCGCGGTGGCTCACGCCTGTAATCCCAGCACTTTGGGAGGCCGAGGTGGGCGGATCACGAGGTCAGGAGATCGAGACCATACTGNNNNNNNNNNAAAAAAAAAAAAAAAAAAAAAAAAATTCTTTTCAG

Gene: C7 (complement C7; plus strand). Cytogenetic location: 5p13.1.
Variant type: Microsatellite.
Coding change: c.2166-1_2166insGCTGGGCGCGGTGGCTCACGCCTGTAATCCCAGCACTTTGGGAGGCCGAGGTGGGCGGATCACGAGGTCAGGAGATCGAGACCATACTGNNNNNNNNNNAAAAAAAAAAAAAAAAAAAAAAAAATTCTTTTCAG on transcript NM_000587.4 (MANE Select); the canonical splice acceptor site of the intron before coding-DNA position 2166 through coding-DNA position 2166, GCTGGGCGCGGTGGCTCACGCCTGTAATCCCAGCACTTTGGGAGGCCGAGGTGGGCGGATCACGAGGTCAGGAGATCGAGACCATACTGNNNNNNNNNNAAAAAAAAAAAAAAAAAAAAAAAAATTCTTTTCAG inserted.
Molecular consequence: splice acceptor variant.
Genome position: GRCh38: chr5:40,979,710-40,979,724. GRCh37 (hg19): chr5:40,979,812-40,979,826.
Identifiers: ClinVar variation 1437215 (VCV001437215.6).